The following is an entry in ClinVar:

NM_002299.4(LCT):c.925G>A (p.Val309Met)

Genes: LCT (lactase; minus strand), LCT-AS1 (LCT antisense RNA 1; plus strand). Cytogenetic location: 2q21.3.
Variant type: single nucleotide variant.
Coding change: c.925G>A on transcript NM_002299.4 (MANE Select); coding-DNA position 925, G replaced by A.
Protein change: p.Val309Met; replaces valine 309 with methionine.
Molecular consequence: missense variant. On other transcripts: non-coding transcript variant (1).
Genome position (GRCh38, 1-based): chr2:135,822,081, C>T on the plus strand (G>A on the coding strand, the complement: LCT is on the minus strand). VCF-style: chr2-135822081-C-T. GRCh37 (hg19) VCF-style: chr2-136579651-C-T.
Other names: short protein forms V309M.
Identifiers: ClinVar variation 1947053 (VCV001947053.6), dbSNP rs774771399, ClinGen allele CA1888483.

ClinVar aggregate classification (germline): Uncertain significance. Review status: criteria provided, multiple submitters, no conflicts (2 of 4 stars). 2 submissions from 2 submitters: Uncertain significance (2). Last evaluated 2024-01-24.

Conditions:
Inborn genetic diseases. Identifiers: MedGen C0950123, MeSH D030342.

Allele frequency attached by ClinVar (database versions not stated): ExAC 0.00001; gnomAD 0.00001; TOPMed 0.00001.
gnomAD v4.1: 7 of 1,601,064 alleles (0.00044%); highest among the groups gnomAD compares: East Asian, 0.013%; no homozygotes.

Submissions (2):

Ambry Genetics
Classification: Uncertain significance for Inborn genetic diseases. Last evaluated: 2024-01-24. Review status: criteria provided, single submitter. Criteria: Ambry Variant Classification Scheme 2023. Collection method: clinical testing. Allele origin: germline.

Labcorp Genetics (formerly Invitae), Labcorp
Classification: Uncertain significance. Last evaluated: 2022-02-04. Review status: criteria provided, single submitter. Criteria: Invitae Variant Classification Sherloc (09022015). Collection method: clinical testing. Allele origin: germline.
Comment: In summary, the available evidence is currently insufficient to determine the role of this variant in disease. Therefore, it has been classified as a Variant of Uncertain Significance. Algorithms developed to predict the effect of missense changes on protein structure and function output the following: SIFT: "Not Available"; PolyPhen-2: "Benign"; Align-GVGD: "Not Available". The methionine amino acid residue is found in multiple mammalian species, which suggests that this missense change does not adversely affect protein function. This variant has not been reported in the literature in individuals affected with LCT-related conditions. This variant is present in population databases (rs774771399, gnomAD 0.03%). This sequence change replaces valine, which is neutral and non-polar, with methionine, which is neutral and non-polar, at codon 309 of the LCT protein (p.Val309Met).